The following is an entry in ClinVar:

ClinVar aggregate classification (germline): Uncertain significance (1 of 4 stars; one submission).

Conditions:
DOCK2 deficiency. Also called: Immunodeficiency 40. Identifiers: Orphanet 447737, MedGen C4225328, MONDO:0014637, OMIM 616433.

Allele frequency attached by ClinVar (database versions not stated): gnomAD 0.00001.
gnomAD v4.1: 13 of 1,613,872 alleles (0.00081%); highest among the groups gnomAD compares: South Asian, 0.013%; no homozygotes.

Submission:

Labcorp Genetics (formerly Invitae), Labcorp
Classification: Uncertain significance for DOCK2 deficiency. Last evaluated: 2021-11-04. Review status: criteria provided, single submitter. Criteria: Invitae Variant Classification Sherloc (09022015). Collection method: clinical testing. Allele origin: germline.
Comment: This variant has not been reported in the literature in individuals affected with DOCK2-related conditions. This variant is present in population databases (rs201825096, gnomAD 0.007%). This sequence change replaces histidine, which is basic and polar, with proline, which is neutral and non-polar, at codon 1018 of the DOCK2 protein (p.His1018Pro). Algorithms developed to predict the effect of missense changes on protein structure and function (SIFT, PolyPhen-2, Align-GVGD) all suggest that this variant is likely to be tolerated. In summary, the available evidence is currently insufficient to determine the role of this variant in disease. Therefore, it has been classified as a Variant of Uncertain Significance.

NM_004946.3(DOCK2):c.3053A>C (p.His1018Pro)

Gene: DOCK2 (dedicator of cytokinesis 2; plus strand). Cytogenetic location: 5q35.1.
Variant type: single nucleotide variant.
Coding change: c.3053A>C on transcript NM_004946.3 (MANE Select); coding-DNA position 3053, A replaced by C.
Protein change: p.His1018Pro; replaces histidine 1018 with proline.
Molecular consequence: missense variant. On other transcripts: non-coding transcript variant (1).
Genome position (GRCh38, 1-based): chr5:169,996,145, A>C. VCF-style: chr5-169996145-A-C. GRCh37 (hg19) VCF-style: chr5-169423149-A-C.
Other names: short protein forms H1018P.
Identifiers: ClinVar variation 1429556 (VCV001429556.6), dbSNP rs201825096, ClinGen allele CA132008874.
Genomic context (GRCh38, chr5:169,996,145, plus strand): 5'-GGGTCTTCCTGAGAGCTATCAACAAGTTTGCAGAAACCATGAACCAGAAGTTCCTAGAAC[A>C]CACGAACTTTGAGTTCCAGGTGAGTATAAGCCACCAGAGCTACCCTTGGAGCTGCCCAGG-3'
Protein context (NP_004937.1, residues 1008-1028): AETMNQKFLE[His1018Pro]TNFEFQLWNN